The following is an entry in ClinVar:

NM_001048174.2(MUTYH):c.1021G>C (p.Glu341Gln)

Gene: MUTYH (mutY DNA glycosylase; minus strand). Cytogenetic location: 1p34.1.
Variant type: single nucleotide variant.
Coding change: c.1021G>C on transcript NM_001048174.2 (MANE Select); coding-DNA position 1021, G replaced by C.
Protein change: p.Glu341Gln; replaces glutamic acid 341 with glutamine.
Molecular consequence: missense variant. On other transcripts: non-coding transcript variant (2).
Genome position (GRCh38, 1-based): chr1:45,331,742, C>G on the plus strand (G>C on the coding strand, the complement: MUTYH is on the minus strand). VCF-style: chr1-45331742-C-G. GRCh37 (hg19) VCF-style: chr1-45797414-C-G.
Other names: c.1021G>C, p.Glu341Gln (NM_001048173.2, NM_001293195.2, NM_001407070.1 and 6 more transcripts); c.1105G>C, p.Glu369Gln (NM_001128425.2); c.1066G>C, p.Glu356Gln (NM_001293190.2); c.1054G>C, p.Glu352Gln (NM_001293191.2, NM_001407069.1, NM_001407077.1); c.745G>C, p.Glu249Gln (NM_001293192.2, NM_001293196.2, NM_001407091.1); c.676G>C, p.Glu226Gln (NM_001350650.2, NM_001350651.2, NM_001407082.1); c.1024G>C, p.Glu342Gln (NM_001407071.1, NM_001407078.1, NM_001407086.1 and 1 more transcripts); c.937G>C, p.Glu313Gln (NM_001407075.1); and 5 more; short protein forms E341Q, E249Q, E327Q, E328Q, E342Q, E355Q, E226Q, E348Q.
Identifiers: ClinVar variation 1793632 (VCV001793632.8), dbSNP rs1644908718, ClinGen allele CA340133552.

ClinVar aggregate classification (germline): Conflicting classifications of pathogenicity. Review status: criteria provided, conflicting classifications (1 of 4 stars). 2 submissions from 2 submitters: Uncertain significance (1); Benign (1). Last evaluated 2025-09-09.

Conditions:
Hereditary cancer-predisposing syndrome. Also called: Tumor predisposition; Neoplastic Syndromes, Hereditary; Hereditary Cancer Syndrome; Hereditary neoplastic syndrome. Identifiers: Orphanet 140162, MedGen C0027672, MeSH D009386, MONDO:0015356.
Familial adenomatous polyposis 2. Also called: MYH-associated polyposis; Adenomas, multiple colorectal; COLORECTAL ADENOMATOUS POLYPOSIS, AUTOSOMAL RECESSIVE; ADENOMAS, MULTIPLE COLORECTAL, AUTOSOMAL RECESSIVE; MUTYH Polyposis; FAP type 2. Identifiers: Orphanet 220460, Orphanet 247798, MedGen C3272841, MONDO:0012041, OMIM 608456.

Allele frequency attached by ClinVar (database versions not stated): gnomAD exomes below 0.00001.

Submissions (2):

Ambry Genetics
Classification: Benign for Hereditary cancer-predisposing syndrome. Last evaluated: 2025-09-09. Review status: criteria provided, single submitter. Criteria: Ambry Variant Classification Scheme 2023. Collection method: clinical testing. Allele origin: germline.

Labcorp Genetics (formerly Invitae), Labcorp
Classification: Uncertain significance for Familial adenomatous polyposis 2. Last evaluated: 2024-06-25. Review status: criteria provided, single submitter. Criteria: Invitae Variant Classification Sherloc (09022015). Collection method: clinical testing. Allele origin: germline.
Comment: This sequence change replaces glutamic acid, which is acidic and polar, with glutamine, which is neutral and polar, at codon 369 of the MUTYH protein (p.Glu369Gln). This variant is not present in population databases (gnomAD no frequency). This variant has not been reported in the literature in individuals affected with MUTYH-related conditions. ClinVar contains an entry for this variant (Variation ID: 1793632). An algorithm developed to predict the effect of missense changes on protein structure and function (PolyPhen-2) suggests that this variant is likely to be tolerated. In summary, the available evidence is currently insufficient to determine the role of this variant in disease. Therefore, it has been classified as a Variant of Uncertain Significance.